The following is an entry in ClinVar:

NM_006035.4(CDC42BPB):c.4118C>T (p.Pro1373Leu)

Gene: CDC42BPB (CDC42 binding protein kinase beta; minus strand). Cytogenetic location: 14q32.32.
Variant type: single nucleotide variant.
Coding change: c.4118C>T on transcript NM_006035.4 (MANE Select); coding-DNA position 4118, C replaced by T.
Protein change: p.Pro1373Leu; replaces proline 1373 with leucine.
Molecular consequence: missense variant.
Genome position (GRCh38, 1-based): chr14:102,944,181, G>A on the plus strand (C>T on the coding strand, the complement: CDC42BPB is on the minus strand). VCF-style: chr14-102944181-G-A. GRCh37 (hg19) VCF-style: chr14-103410518-G-A.
Other names: c.4040C>T, p.Pro1347Leu (NM_001411054.1); short protein forms P1347L, P1373L.
Identifiers: ClinVar variation 4686515 (VCV004686515.1).

ClinVar aggregate classification (germline): Uncertain significance (1 of 4 stars; one submission).

gnomAD v4.1: 1 of 1,613,322 alleles (0.000062%); highest among the groups gnomAD compares: Non-Finnish European, 0.000085%; no homozygotes.

Submission:

GeneDx
Classification: Uncertain significance. Last evaluated: 2025-07-16. Review status: criteria provided, single submitter. Criteria: GeneDx Variant Classification Process June 2021. Collection method: clinical testing. Allele origin: germline. Affected: yes.
Comment: Not observed at significant frequency in large population cohorts (gnomAD); In silico analysis supports that this missense variant has a deleterious effect on protein structure/function; Has not been previously published as pathogenic or benign to our knowledge